The following is an entry in ClinVar:

NM_001083961.2(WDR62):c.3377T>G (p.Val1126Gly)

Gene: WDR62 (WD repeat domain 62; plus strand). Cytogenetic location: 19q13.12.
Variant type: single nucleotide variant.
Coding change: c.3377T>G on transcript NM_001083961.2 (MANE Select); coding-DNA position 3377, T replaced by G.
Protein change: p.Val1126Gly; replaces valine 1126 with glycine.
Molecular consequence: missense variant.
Genome position (GRCh38, 1-based): chr19:36,102,989, T>G. VCF-style: chr19-36102989-T-G. GRCh37 (hg19) VCF-style: chr19-36593891-T-G.
Other names: c.3362T>G, p.Val1121Gly (NM_001411145.1, NM_173636.5); c.3128T>G, p.Val1043Gly (NM_001411146.1); c.3026T>G, p.Val1009Gly (NM_001411147.1); short protein forms V1121G, V1126G, V1043G, V1009G.
Identifiers: ClinVar variation 1977138 (VCV001977138.5), dbSNP rs771187377, ClinGen allele CA9396266.

ClinVar aggregate classification (germline): Uncertain significance (1 of 4 stars; one submission).

Allele frequency attached by ClinVar (database versions not stated): ExAC 0.00001; gnomAD exomes 0.00001.
gnomAD v4.1: 3 of 1,614,128 alleles (0.00019%); highest among the groups gnomAD compares: Admixed American, 0.005%; no homozygotes.

Submission:

Labcorp Genetics (formerly Invitae), Labcorp
Classification: Uncertain significance. Last evaluated: 2022-12-06. Review status: criteria provided, single submitter. Criteria: Invitae Variant Classification Sherloc (09022015). Collection method: clinical testing. Allele origin: germline.
Comment: This sequence change replaces valine, which is neutral and non-polar, with glycine, which is neutral and non-polar, at codon 1126 of the WDR62 protein (p.Val1126Gly). This variant is present in population databases (rs771187377, gnomAD 0.006%). This variant has not been reported in the literature in individuals affected with WDR62-related conditions. Advanced modeling of protein sequence and biophysical properties (such as structural, functional, and spatial information, amino acid conservation, physicochemical variation, residue mobility, and thermodynamic stability) performed at Invitae indicates that this missense variant is not expected to disrupt WDR62 protein function. In summary, the available evidence is currently insufficient to determine the role of this variant in disease. Therefore, it has been classified as a Variant of Uncertain Significance.